The following is an entry in ClinVar:

ClinVar aggregate classification (germline): Pathogenic (1 of 4 stars; one submission).

Conditions:
Hereditary cancer-predisposing syndrome. Also called: Neoplastic Syndromes, Hereditary; Tumor predisposition; Hereditary Cancer Syndrome; Hereditary neoplastic syndrome. Identifiers: Orphanet 140162, MedGen C0027672, MeSH D009386, MONDO:0015356.

Submission:

Ambry Genetics
Classification: Pathogenic for Hereditary cancer-predisposing syndrome. Last evaluated: 2018-03-21. Review status: criteria provided, single submitter. Criteria: Ambry Variant Classification Scheme 2023. Collection method: clinical testing. Allele origin: germline.
Comment: The c.2186_2196del11 variant, located in coding exon 14 of the CDH1 gene, results from a deletion of 11 nucleotides at nucleotide positions 2186 to 2196, causing a translational frameshift with a predicted alternate stop codon (p.L729Qfs*15). This alteration is expected to result in loss of function by premature protein truncation or nonsense-mediated mRNA decay. As such, this alteration is interpreted as a disease-causing mutation.

NM_004360.5(CDH1):c.2186_2196del (p.Leu729fs)

Gene: CDH1 (cadherin 1; plus strand). Cytogenetic location: 16q22.1.
Variant type: Deletion.
Coding change: c.2186_2196del on transcript NM_004360.5 (MANE Select); coding-DNA positions 2186 to 2196, 11 bases deleted (TGTTTCTTCGG).
Protein change: p.Leu729fs; shifts the reading frame from leucine 729.
Molecular consequence: frameshift variant.
Genome position (GRCh38, 1-based): chr16:68,828,195-68,828,205, TGTTTCTTCGG deleted. VCF-style (leftmost placement, unchanged base first): chr16-68828194-CTGTTTCTTCGG-C. GRCh37 (hg19) VCF-style: chr16-68862097-CTGTTTCTTCGG-C.
Other names: c.2003_2013del, p.Leu668fs (NM_001317184.2); c.638_648del, p.Leu213fs (NM_001317185.2); c.221_231del, p.Leu74fs (NM_001317186.2); short protein forms L213fs, L729fs, L74fs, L668fs.
Identifiers: ClinVar variation 820843 (VCV000820843.4), dbSNP rs1596970676, ClinGen allele CA915949327.